The following is an entry in ClinVar:

NM_000321.3(RB1):c.653T>G (p.Leu218Ter)

Gene: RB1 (RB transcriptional corepressor 1; plus strand). Cytogenetic location: 13q14.2.
Variant type: single nucleotide variant.
Coding change: c.653T>G on transcript NM_000321.3 (MANE Select); coding-DNA position 653, T replaced by G.
Protein change: p.Leu218Ter; replaces leucine 218 with a stop codon.
Molecular consequence: nonsense.
Genome position (GRCh38, 1-based): chr13:48,360,062, T>G. VCF-style: chr13-48360062-T-G. GRCh37 (hg19) VCF-style: chr13-48934198-T-G.
Other names: c.653T>G, p.Leu218Ter (NM_001407165.1, NM_001407166.1); short protein forms L218*.
Identifiers: ClinVar variation 4151177 (VCV004151177.1).
Genomic context (GRCh38, chr13:48,360,062, plus strand): 5'-ACATTTTTTTTTCAGGGGAAGTATTACAAATGGAAGATGATCTGGTGATTTCATTTCAGT[T>G]AATGCTATGTGTCCTTGACTATTTTATTAAACTCTCACCTCCCATGTTGCTCAAAGAACC-3'

ClinVar aggregate classification (germline): Pathogenic (1 of 4 stars; one submission).

Conditions:
Hereditary cancer-predisposing syndrome. Also called: Hereditary neoplastic syndrome; Neoplastic Syndromes, Hereditary; Tumor predisposition; Hereditary Cancer Syndrome. Identifiers: Orphanet 140162, MedGen C0027672, MeSH D009386, MONDO:0015356.

Submission:

Ambry Genetics
Classification: Pathogenic for Hereditary cancer-predisposing syndrome. Last evaluated: 2025-06-17. Review status: criteria provided, single submitter. Criteria: Ambry Variant Classification Scheme 2023. Collection method: clinical testing. Allele origin: germline.
Comment: The p.L218* pathogenic mutation (also known as c.653T>G), located in coding exon 7 of the RB1 gene, results from a T to G substitution at nucleotide position 653. This changes the amino acid from a leucine to a stop codon within coding exon 7. This variant is considered to be rare based on population cohorts in the Genome Aggregation Database (gnomAD). This alteration is expected to result in loss of function by premature protein truncation or nonsense-mediated mRNA decay. As such, this alteration is interpreted as a disease-causing mutation.